The following is an entry in ClinVar:

ClinVar aggregate classification (germline): Conflicting classifications of pathogenicity. Review status: criteria provided, conflicting classifications (1 of 4 stars). 6 submissions from 6 submitters: Uncertain significance (1); Likely benign (3). 2 of the submissions do not count toward it. Last evaluated 2025-12-22.

Conditions:
Cystic fibrosis (CF). Also called: MUCOVISCIDOSIS. Identifiers: Orphanet 586, MedGen C0010674, MONDO:0009061, OMIM 219700. Disease mechanism: loss of function.
CFTR-related disorder (CFTR-RD). Also called: CFTR-related disorders; CFTR-related condition. Identifiers: MedGen C5924204, MONDO:7770004.

Allele frequency attached by ClinVar (database versions not stated): gnomAD 0.00001; TOPMed 0.00002.
gnomAD v4.1: 13 of 1,613,416 alleles (0.00081%); highest among the groups gnomAD compares: Non-Finnish European, 0.0011%; no homozygotes.

Submissions (6):

Labcorp Genetics (formerly Invitae), Labcorp
Classification: Likely benign for Cystic fibrosis. Last evaluated: 2025-12-22. Review status: criteria provided, single submitter. Criteria: Invitae Variant Classification Sherloc (09022015). Collection method: clinical testing. Allele origin: germline.

Women's Health and Genetics/Laboratory Corporation of America, LabCorp
Classification: Likely benign. Last evaluated: 2022-07-21. Review status: criteria provided, single submitter. Criteria: LabCorp Variant Classification Summary - May 2015. Collection method: clinical testing. Allele origin: germline.

Ambry Genetics
Classification: Likely benign for Cystic fibrosis. Last evaluated: 2022-02-15. Review status: criteria provided, single submitter. Criteria: Ambry Variant Classification Scheme 2023. Collection method: clinical testing. Allele origin: germline.

Eurofins Ntd Llc (ga)
Classification: Uncertain significance. Last evaluated: 2018-08-30. Review status: criteria provided, single submitter. Criteria: EGL ClinVar v180209 classification definitions. Collection method: clinical testing. Allele origin: germline. Observed: 1 variant allele, 1 heterozygote.

PreventionGenetics, part of Exact Sciences
Classification: Likely benign for CFTR-related condition. Last evaluated: 2023-12-20. Review status: no assertion criteria provided. Collection method: clinical testing. Allele origin: germline. Not counted in ClinVar's aggregate classification.
Comment: This variant is classified as likely benign based on ACMG/AMP sequence variant interpretation guidelines (Richards et al. 2015 PMID: 25741868, with internal and published modifications).

Natera, Inc.
Classification: Likely benign for Cystic Fibrosis. Last evaluated: 2020-09-16. Review status: no assertion criteria provided. Collection method: clinical testing. Allele origin: germline. Not counted in ClinVar's aggregate classification.

NM_000492.4(CFTR):c.3588A>T (p.Ser1196=)

Genes: CFTR (CF transmembrane conductance regulator; plus strand), CFTR-AS2 (CFTR antisense RNA 2; minus strand). Cytogenetic location: 7q31.2.
Variant type: single nucleotide variant.
Coding change: c.3588A>T on transcript NM_000492.4 (MANE Select); coding-DNA position 3588, A replaced by T.
Protein change: p.Ser1196=; no amino-acid change (serine 1196 retained).
Molecular consequence: synonymous variant.
Genome position (GRCh38, 1-based): chr7:117,627,641, A>T. VCF-style: chr7-117627641-A-T. GRCh37 (hg19) VCF-style: chr7-117267695-A-T.
Identifiers: ClinVar variation 598580 (VCV000598580.21), dbSNP rs759202870, ClinGen allele CA457231400.